The following is an entry in ClinVar:

ClinVar aggregate classification (germline): Uncertain significance (1 of 4 stars; one submission).

gnomAD v4.1: 3 of 1,614,006 alleles (0.00019%); highest among the groups gnomAD compares: South Asian, 0.0033%; no homozygotes.

Submission:

GeneDx
Classification: Uncertain significance. Last evaluated: 2024-09-06. Review status: criteria provided, single submitter. Criteria: GeneDx Variant Classification Process June 2021. Collection method: clinical testing. Allele origin: germline. Affected: yes.
Comment: Not observed at significant frequency in large population cohorts (gnomAD); In silico analysis, which includes protein predictors and evolutionary conservation, supports a deleterious effect; Has not been previously published as pathogenic or benign to our knowledge

NM_005555.4(KRT6B):c.1526T>C (p.Leu509Pro)

Gene: KRT6B (keratin 6B; minus strand). Cytogenetic location: 12q13.13.
Variant type: single nucleotide variant.
Coding change: c.1526T>C on transcript NM_005555.4 (MANE Select); coding-DNA position 1526, T replaced by C.
Protein change: p.Leu509Pro; replaces leucine 509 with proline.
Molecular consequence: missense variant.
Genome position (GRCh38, 1-based): chr12:52,447,359, A>G on the plus strand (T>C on the coding strand, the complement: KRT6B is on the minus strand). VCF-style: chr12-52447359-A-G. GRCh37 (hg19) VCF-style: chr12-52841143-A-G.
Other names: short protein forms L509P.
Identifiers: ClinVar variation 3767571 (VCV003767571.1).
Genomic context (GRCh38, chr12:52,447,359, plus strand): 5'-GAACTAAAGCCGCCTCCAACGCCAAGACCACTGCCATAGGAGTAGCTGCTTCCTCCACCC[A>G]GGCCTAAGCCACTGCCGACACCGCTGGCACCGCCATAGCCACTGGAGACGGTGGACTGCA-3'
Protein context (NP_005546.2, residues 499-519): GASGVGSGLG[Leu509Pro]GGGSSYSYGS